The following is an entry in ClinVar:

ClinVar aggregate classification (germline): Uncertain significance (1 of 4 stars; one submission).

Conditions:
Peroxisome biogenesis disorder 2B (PBD2B). Identifiers: Orphanet 44, MedGen C3550234, MONDO:0008736, OMIM 202370.

Submission:

Labcorp Genetics (formerly Invitae), Labcorp
Classification: Uncertain significance for Peroxisome biogenesis disorder 2B. Last evaluated: 2021-09-01. Review status: criteria provided, single submitter. Criteria: Invitae Variant Classification Sherloc (09022015). Collection method: clinical testing. Allele origin: germline.
Comment: This sequence change replaces aspartic acid with tyrosine at codon 27 of the PEX5 protein (p.Asp27Tyr). The aspartic acid residue is moderately conserved and there is a large physicochemical difference between aspartic acid and tyrosine. This variant is not present in population databases (ExAC no frequency). This variant has not been reported in the literature in individuals affected with PEX5-related conditions. Algorithms developed to predict the effect of missense changes on protein structure and function are either unavailable or do not agree on the potential impact of this missense change (SIFT: "Deleterious"; PolyPhen-2: "Probably Damaging"; Align-GVGD: "Class C0"). In summary, the available evidence is currently insufficient to determine the role of this variant in disease. Therefore, it has been classified as a Variant of Uncertain Significance.

NM_001351132.2(PEX5):c.79G>T (p.Asp27Tyr)

Gene: PEX5 (peroxisomal biogenesis factor 5; plus strand). Cytogenetic location: 12p13.31.
Variant type: single nucleotide variant.
Coding change: c.79G>T on transcript NM_001351132.2 (MANE Select); coding-DNA position 79, G replaced by T.
Protein change: p.Asp27Tyr; replaces aspartic acid 27 with tyrosine.
Molecular consequence: missense variant.
Genome position (GRCh38, 1-based): chr12:7,190,456, G>T. VCF-style: chr12-7190456-G-T. GRCh37 (hg19) VCF-style: chr12-7343052-G-T.
Other names: c.79G>T, p.Asp27Tyr (NM_000319.5, NM_001131023.2, NM_001131024.2 and 22 more transcripts); short protein forms D27Y.
Identifiers: ClinVar variation 1009785 (VCV001009785.6), dbSNP rs1940819292, ClinGen allele CA383707614.
Genomic context (GRCh38, chr12:7,190,456, plus strand): 5'-GTGGAGGCCGAATGCGGGGGTGCCAACCCGCTCATGAAGCTCGCCGGGCACTTCACCCAG[G>T]ACAAGGCCCTTCGGCAGGAGGGATTGAGGCCTGGCCCCTGGCCCCCCGGAGCCCCGGCCT-3'
Protein context (NP_001338061.1, residues 17-37): LMKLAGHFTQ[Asp27Tyr]KALRQEGLRP